The following is an entry in ClinVar:

ClinVar aggregate classification (germline): Uncertain significance (1 of 4 stars; one submission).

Conditions:
Inborn genetic diseases. Identifiers: MedGen C0950123, MeSH D030342.

Submission:

Ambry Genetics
Classification: Uncertain significance for Inborn genetic diseases. Last evaluated: 2022-06-03. Review status: criteria provided, single submitter. Criteria: Ambry Variant Classification Scheme 2023. Collection method: clinical testing. Allele origin: germline.
Comment: The c.304+3A>G intronic alteration consists of an A to G substitution 3 nucleotides after exon 4 (coding exon 3) of the GAD1 gene. Based on insufficient or conflicting evidence, the clinical significance of this alteration remains unclear.

NM_000817.3(GAD1):c.304+3A>G

Gene: GAD1 (glutamate decarboxylase 1; plus strand). Cytogenetic location: 2q31.1.
Variant type: single nucleotide variant.
Coding change: c.304+3A>G on transcript NM_000817.3 (MANE Select); 3 bases into the intron after coding-DNA position 304, A replaced by G.
Molecular consequence: intron variant.
Genome position (GRCh38, 1-based): chr2:170,829,636, A>G. VCF-style: chr2-170829636-A-G. GRCh37 (hg19) VCF-style: chr2-171686146-A-G.
Other names: c.304+3A>G (NM_013445.4).
Identifiers: ClinVar variation 2284930 (VCV002284930.2), dbSNP rs2468323004, ClinGen allele CA2577154887.